The following is an entry in ClinVar:

ClinVar aggregate classification (germline): Uncertain significance (1 of 4 stars; one submission).

gnomAD v4.1: 2 of 1,614,110 alleles (0.00012%); highest among the groups gnomAD compares: Admixed American, 0.0033%; no homozygotes.

Submission:

Labcorp Genetics (formerly Invitae), Labcorp
Classification: Uncertain significance. Last evaluated: 2024-11-05. Review status: criteria provided, single submitter. Criteria: Invitae Variant Classification Sherloc (09022015). Collection method: clinical testing. Allele origin: germline.
Comment: This sequence change replaces isoleucine, which is neutral and non-polar, with phenylalanine, which is neutral and non-polar, at codon 190 of the CLCN2 protein (p.Ile190Phe). This variant is not present in population databases (gnomAD no frequency). This variant has not been reported in the literature in individuals affected with CLCN2-related conditions. Invitae Evidence Modeling of protein sequence and biophysical properties (such as structural, functional, and spatial information, amino acid conservation, physicochemical variation, residue mobility, and thermodynamic stability) indicates that this missense variant is expected to disrupt CLCN2 protein function with a positive predictive value of 80%. In summary, the available evidence is currently insufficient to determine the role of this variant in disease. Therefore, it has been classified as a Variant of Uncertain Significance.

NM_004366.6(CLCN2):c.568A>T (p.Ile190Phe)

Gene: CLCN2 (chloride voltage-gated channel 2; minus strand). Cytogenetic location: 3q27.1.
Variant type: single nucleotide variant.
Coding change: c.568A>T on transcript NM_004366.6 (MANE Select); coding-DNA position 568, A replaced by T.
Protein change: p.Ile190Phe; replaces isoleucine 190 with phenylalanine.
Molecular consequence: missense variant.
Genome position (GRCh38, 1-based): chr3:184,358,009, T>A on the plus strand (A>T on the coding strand, the complement: CLCN2 is on the minus strand). VCF-style: chr3-184358009-T-A. GRCh37 (hg19) VCF-style: chr3-184075797-T-A.
Other names: c.568A>T, p.Ile190Phe (NM_001171087.3, NM_001171089.3); c.436A>T, p.Ile146Phe (NM_001171088.3); short protein forms I146F, I190F.
Identifiers: ClinVar variation 3706639 (VCV003706639.2).